The following is an entry in ClinVar:

ClinVar aggregate classification (germline): Uncertain significance. Review status: criteria provided, multiple submitters, no conflicts (2 of 4 stars). 3 submissions from 3 submitters: Uncertain significance (3). Last evaluated 2025-01-08.

Conditions:
Atrioventricular septal defect 5 (AVSD5). Identifiers: MedGen C3280939, MONDO:0013769, OMIM 614474.

Allele frequency attached by ClinVar (database versions not stated): ExAC 0.00001; gnomAD exomes 0.00002; gnomAD 0.00003 and 0.00004; TOPMed 0.00004.
gnomAD v4.1: 166 of 1,599,028 alleles (0.01%); highest among the groups gnomAD compares: Non-Finnish European, 0.012%; no homozygotes.

Submissions (3):

Labcorp Genetics (formerly Invitae), Labcorp
Classification: Uncertain significance for Atrioventricular septal defect 5. Last evaluated: 2025-01-08. Review status: criteria provided, single submitter. Criteria: Invitae Variant Classification Sherloc (09022015). Collection method: clinical testing. Allele origin: germline.
Comment: This sequence change replaces arginine, which is basic and polar, with glutamine, which is neutral and polar, at codon 30 of the GATA6 protein (p.Arg30Gln). This variant is present in population databases (rs756406083, gnomAD 0.004%). This variant has not been reported in the literature in individuals affected with GATA6-related conditions. ClinVar contains an entry for this variant (Variation ID: 939134). An algorithm developed to predict the effect of missense changes on protein structure and function (PolyPhen-2) suggests that this variant is likely to be disruptive. In summary, the available evidence is currently insufficient to determine the role of this variant in disease. Therefore, it has been classified as a Variant of Uncertain Significance.

Blueprint Genetics
Classification: Uncertain significance. Last evaluated: 2024-06-07. Review status: criteria provided, single submitter. Criteria: ACMG Guidelines, 2015. Collection method: clinical testing. Allele origin: germline.

CeGaT Center for Human Genetics Tuebingen
Classification: Uncertain significance. Last evaluated: 2023-09-01. Review status: criteria provided, single submitter. Criteria: CeGaT Center For Human Genetics Tuebingen Variant Classification Criteria Version 2. Collection method: clinical testing. Allele origin: germline. Affected: yes. Observed: 1 variant allele.

NM_005257.6(GATA6):c.89G>A (p.Arg30Gln)

Gene: GATA6 (GATA binding protein 6; plus strand). Cytogenetic location: 18q11.2.
Variant type: single nucleotide variant.
Coding change: c.89G>A on transcript NM_005257.6 (MANE Select); coding-DNA position 89, G replaced by A.
Protein change: p.Arg30Gln; replaces arginine 30 with glutamine.
Molecular consequence: missense variant.
Genome position (GRCh38, 1-based): chr18:22,171,233, G>A. VCF-style: chr18-22171233-G-A. GRCh37 (hg19) VCF-style: chr18-19751194-G-A.
Other names: short protein forms R30Q.
Identifiers: ClinVar variation 939134 (VCV000939134.34), dbSNP rs756406083, ClinGen allele CA8908804.
Genomic context (GRCh38, chr18:22,171,233, plus strand): 5'-TGCCGAAGCGCTTCGGGGCCGCGGGTGCGGACGCCAGCGACTCCAGAGCCTTTCCAGCGC[G>A]GGAGCCCTCCACGCCGCCTTCCCCCATCTCTTCCTCGTCCTCCTCCTGCTCCCGGGGCGG-3'
Protein context (NP_005248.2, residues 20-40): DASDSRAFPA[Arg30Gln]EPSTPPSPIS